The following is an entry in ClinVar:

ClinVar aggregate classification (germline): Uncertain significance. Review status: criteria provided, multiple submitters, no conflicts (2 of 4 stars). 2 submissions from 2 submitters: Uncertain significance (2). Last evaluated 2026-05-05.

Allele frequency attached by ClinVar (database versions not stated): gnomAD exomes below 0.00001.

Submissions (2):

Women's Health and Genetics/Laboratory Corporation of America, LabCorp
Classification: Uncertain significance. Last evaluated: 2026-05-05. Review status: criteria provided, single submitter. Criteria: LabCorp Variant Classification Summary - May 2015. Collection method: clinical testing. Allele origin: germline.
Comment: Variant summary: DVL1 c.742A>G (p.Asn248Asp) results in a conservative amino acid change in the encoded protein sequence. Algorithms developed to predict the effect of missense changes on protein structure and function are either unavailable or do not agree on the potential impact of this missense change. The variant allele was found at a frequency of 4e-06 in 250706 control chromosomes. The available data on variant occurrences in the general population are insufficient to allow any conclusion about variant significance. To our knowledge, no occurrence of c.742A>G in individuals affected with DVL1-related conditions and no experimental evidence demonstrating its impact on protein function have been reported. ClinVar contains an entry for this variant (Variation ID: 1411310). Based on the evidence outlined above, the variant was classified as uncertain significance.

Labcorp Genetics (formerly Invitae), Labcorp
Classification: Uncertain significance. Last evaluated: 2021-10-20. Review status: criteria provided, single submitter. Criteria: Invitae Variant Classification Sherloc (09022015). Collection method: clinical testing. Allele origin: germline.
Comment: This variant has not been reported in the literature in individuals affected with DVL1-related conditions. This sequence change replaces asparagine, which is neutral and polar, with aspartic acid, which is acidic and polar, at codon 248 of the DVL1 protein (p.Asn248Asp). This variant is present in population databases (no rsID available, gnomAD 0.0009%). Algorithms developed to predict the effect of missense changes on protein structure and function are either unavailable or do not agree on the potential impact of this missense change (SIFT: "Tolerated"; PolyPhen-2: "Possibly Damaging"; Align-GVGD: "Class C0"). In summary, the available evidence is currently insufficient to determine the role of this variant in disease. Therefore, it has been classified as a Variant of Uncertain Significance.

NM_001330311.2(DVL1):c.742A>G (p.Asn248Asp)

Gene: DVL1 (dishevelled segment polarity protein 1; minus strand). Cytogenetic location: 1p36.33.
Variant type: single nucleotide variant.
Coding change: c.742A>G on transcript NM_001330311.2 (MANE Select); coding-DNA position 742, A replaced by G.
Protein change: p.Asn248Asp; replaces asparagine 248 with aspartic acid.
Molecular consequence: missense variant.
Genome position (GRCh38, 1-based): chr1:1,340,274, T>C on the plus strand (A>G on the coding strand, the complement: DVL1 is on the minus strand). VCF-style: chr1-1340274-T-C. GRCh37 (hg19) VCF-style: chr1-1275654-T-C.
Other names: c.742A>G, p.Asn248Asp (NM_004421.3); short protein forms N248D.
Identifiers: ClinVar variation 1411310 (VCV001411310.7), dbSNP rs1354521644, ClinGen allele CA337870523.